The following is an entry in ClinVar:

ClinVar aggregate classification (germline): Conflicting classifications of pathogenicity. Review status: criteria provided, conflicting classifications (1 of 4 stars). 3 submissions from 3 submitters: Uncertain significance (2); Likely benign (1). Last evaluated 2026-01-30.

Conditions:
Hypertrophic cardiomyopathy 14. Identifiers: MedGen C2750467, MONDO:0013197, OMIM 613251.

Allele frequency attached by ClinVar (database versions not stated): TOPMed 0.00004; ExAC 0.00011; gnomAD 0.00014 and 0.00016; gnomAD exomes 0.00014.
gnomAD v4.1: 80 of 1,614,128 alleles (0.005%); highest among the groups gnomAD compares: Admixed American, 0.047%; no homozygotes.

Submissions (3):

GeneDx
Classification: Uncertain significance. Last evaluated: 2026-01-30. Review status: criteria provided, single submitter. Criteria: GeneDx Variant Classification Process June 2021. Collection method: clinical testing. Allele origin: germline. Affected: yes.
Comment: Has not been previously published as pathogenic or benign to our knowledge; In silico analysis supports that this missense variant has a deleterious effect on protein structure/function

Labcorp Genetics (formerly Invitae), Labcorp
Classification: Uncertain significance for Hypertrophic cardiomyopathy 14. Last evaluated: 2025-10-18. Review status: criteria provided, single submitter. Criteria: Invitae Variant Classification Sherloc (09022015). Collection method: clinical testing. Allele origin: germline.
Comment: This sequence change replaces arginine, which is basic and polar, with cysteine, which is neutral and slightly polar, at codon 23 of the MYH6 protein (p.Arg23Cys). This variant is present in population databases (rs587782959, gnomAD 0.06%), and has an allele count higher than expected for a pathogenic variant. This variant has not been reported in the literature in individuals affected with MYH6-related conditions. ClinVar contains an entry for this variant (Variation ID: 155809). Invitae Evidence Modeling of protein sequence and biophysical properties (such as structural, functional, and spatial information, amino acid conservation, physicochemical variation, residue mobility, and thermodynamic stability) has been performed for this missense variant. However, the output from this modeling did not meet the statistical confidence thresholds required to predict the impact of this variant on MYH6 protein function. In summary, the available evidence is currently insufficient to determine the role of this variant in disease. Therefore, it has been classified as a Variant of Uncertain Significance.

Blueprint Genetics
Classification: Likely benign. Last evaluated: 2024-04-13. Review status: criteria provided, single submitter. Criteria: ACMG Guidelines, 2015. Collection method: clinical testing. Allele origin: germline.

NM_002471.4(MYH6):c.67C>T (p.Arg23Cys)

Genes: MYH6 (myosin heavy chain 6; minus strand), LOC114827851 (VISTA enhancer hs2155; plus strand). Cytogenetic location: 14q11.2.
Variant type: single nucleotide variant.
Coding change: c.67C>T on transcript NM_002471.4 (MANE Select); coding-DNA position 67, C replaced by T.
Protein change: p.Arg23Cys; replaces arginine 23 with cysteine.
Molecular consequence: missense variant.
Genome position (GRCh38, 1-based): chr14:23,407,157, G>A on the plus strand (C>T on the coding strand, the complement: MYH6 is on the minus strand). VCF-style: chr14-23407157-G-A. GRCh37 (hg19) VCF-style: chr14-23876366-G-A.
Other names: short protein forms R23C.
Identifiers: ClinVar variation 155809 (VCV000155809.9), dbSNP rs587782959, ClinGen allele CA345828.